The following is an entry in ClinVar:

NM_001379029.1(CERT1):c.1833T>C (p.Ser611=)

Gene: CERT1 (ceramide transporter 1; minus strand). Cytogenetic location: 5q13.3.
Variant type: single nucleotide variant.
Coding change: c.1833T>C on transcript NM_001379029.1 (MANE Select); coding-DNA position 1833, T replaced by C.
Protein change: p.Ser611=; no amino-acid change (serine 611 retained).
Molecular consequence: synonymous variant. On other transcripts: intron variant (1).
Genome position (GRCh38, 1-based): chr5:75,379,388, A>G on the plus strand (T>C on the coding strand, the complement: CERT1 is on the minus strand). VCF-style: chr5-75379388-A-G. GRCh37 (hg19) VCF-style: chr5-74675213-A-G.
Other names: c.2217T>C, p.Ser739= (NM_001130105.1); c.1833T>C, p.Ser611= (NM_001379002.1, NM_005713.3); c.1755T>C, p.Ser585= (NM_001379003.1, NM_031361.3); c.1669+1684T>C (NM_001379004.1).
Identifiers: ClinVar variation 746640 (VCV000746640.29), dbSNP rs373547173, ClinGen allele CA3308933.
Genomic context (GRCh38, chr5:75,379,388, plus strand): 5'-TTCTAGTACCTGTTAATACTAGAACAAAATAGGCTTTCCTGCAGTTTTTTCTTGGACGTA[A>G]GAAGTAAAACGTTTTAGAAATTTAGGATACTCTCGCTTTGCCACTGCCCTTAACACTGAG-3'
Protein context (NP_001365958.1, residues 601-621): EYPKFLKRFT[Ser611=]YVQEKTAGKP

ClinVar aggregate classification (germline): Likely benign. Review status: criteria provided, multiple submitters, no conflicts (2 of 4 stars). 3 submissions from 3 submitters: Likely benign (3). Last evaluated 2024-10-17.

Allele frequency attached by ClinVar (database versions not stated): gnomAD exomes 0.00004 and 0.00016; gnomAD 0.00006 and 0.00016; TOPMed 0.00006; ExAC 0.00020; 1000 Genomes Project 30x 0.00172; 1000 Genomes Project 0.00200.

Submissions (3):

Blueprint Genetics
Classification: Likely benign. Last evaluated: 2024-10-17. Review status: criteria provided, single submitter. Criteria: ACMG Guidelines, 2015. Collection method: clinical testing. Allele origin: germline.

CeGaT Center for Human Genetics Tuebingen
Classification: Likely benign. Last evaluated: 2023-04-01. Review status: criteria provided, single submitter. Criteria: CeGaT Center For Human Genetics Tuebingen Variant Classification Criteria Version 2. Collection method: clinical testing. Allele origin: germline. Affected: yes. Observed: 1 variant allele.
Comment: CERT1: BP4, BP7, BS1

Labcorp Genetics (formerly Invitae), Labcorp
Classification: Likely benign. Last evaluated: 2019-12-31. Review status: criteria provided, single submitter. Criteria: Invitae Variant Classification Sherloc (09022015). Collection method: clinical testing. Allele origin: germline.